The following is an entry in ClinVar:

NM_001197104.2(KMT2A):c.6062A>G (p.Asn2021Ser)

Gene: KMT2A (lysine methyltransferase 2A; plus strand). Cytogenetic location: 11q23.3.
Variant type: single nucleotide variant.
Coding change: c.6062A>G on transcript NM_001197104.2 (MANE Select); coding-DNA position 6062, A replaced by G.
Protein change: p.Asn2021Ser; replaces asparagine 2021 with serine.
Molecular consequence: missense variant.
Genome position (GRCh38, 1-based): chr11:118,499,403, A>G. VCF-style: chr11-118499403-A-G. GRCh37 (hg19) VCF-style: chr11-118370118-A-G.
Other names: c.6053A>G, p.Asn2018Ser (NM_005933.4); short protein forms N2018S, N2021S.
Identifiers: ClinVar variation 1517815 (VCV001517815.8), dbSNP rs1950462824, ClinGen allele CA382799457.

ClinVar aggregate classification (germline): Uncertain significance (1 of 4 stars; one submission).

Allele frequency attached by ClinVar (database versions not stated): gnomAD exomes below 0.00001; TOPMed below 0.00001.
gnomAD v4.1: 1 of 1,594,546 alleles (0.000063%); highest among the groups gnomAD compares: African/African-American, 0.0014%; no homozygotes.

Submission:

Labcorp Genetics (formerly Invitae), Labcorp
Classification: Uncertain significance. Last evaluated: 2021-04-22. Review status: criteria provided, single submitter. Criteria: Invitae Variant Classification Sherloc (09022015). Collection method: clinical testing. Allele origin: germline.
Comment: This variant is not present in population databases (ExAC no frequency). In summary, the available evidence is currently insufficient to determine the role of this variant in disease. Therefore, it has been classified as a Variant of Uncertain Significance. Algorithms developed to predict the effect of sequence changes on RNA splicing suggest that this variant may create or strengthen a splice site, but this prediction has not been confirmed by published transcriptional studies. Advanced modeling of protein sequence and biophysical properties (such as structural, functional, and spatial information, amino acid conservation, physicochemical variation, residue mobility, and thermodynamic stability) performed at Invitae indicates that this missense variant is not expected to disrupt KMT2A protein function. This variant has not been reported in the literature in individuals with KMT2A-related conditions. This sequence change replaces asparagine with serine at codon 2021 of the KMT2A protein (p.Asn2021Ser). The asparagine residue is moderately conserved and there is a small physicochemical difference between asparagine and serine.